The following is an entry in ClinVar:

ClinVar aggregate classification (germline): Pathogenic (1 of 4 stars; one submission).

Conditions:
Intellectual developmental disorder, autosomal dominant 57. Also called: MENTAL RETARDATION, AUTOSOMAL DOMINANT 57; Intellectual disability, autosomal dominant 57. Identifiers: MedGen C4748003, MONDO:0054837, OMIM 618050.

Submissions (2):

Juno Genomics, Hangzhou Juno Genomics, Inc
Classification: Pathogenic for Intellectual developmental disorder, autosomal dominant 57. Review status: criteria provided, single submitter. Criteria: ACMG Guidelines, 2015. Collection method: clinical testing. Allele origin: germline. Affected: yes.
Comment: Absent from controls (or at extremely low frequency if recessive) in Genome Aggregation Database, Exome Sequencing Project, 1000 Genomes Project, or Exome Aggregation Consortium.;De novo (both maternity and paternity confirmed) in a patient with the disease and no family history.;Null variant in a gene where loss of function (LOF) is a known mechanism of disease.

Dr. Peter K. Rogan Lab, Western University
No classification provided (evidence only). Condition: Melanoma. Review status: no classification provided. Collection method: in vitro. Allele origin: not applicable. Functional consequence: skipped exon. Not counted in ClinVar's aggregate classification.

NM_006852.6(TLK2):c.154-1G>A

Gene: TLK2 (tousled like kinase 2; plus strand). Cytogenetic location: 17q23.2.
Variant type: single nucleotide variant.
Coding change: c.154-1G>A on transcript NM_006852.6 (MANE Select); the canonical splice acceptor site of the intron before coding-DNA position 154, G replaced by A.
Molecular consequence: splice acceptor variant.
Genome position (GRCh38, 1-based): chr17:62,522,203, G>A. VCF-style: chr17-62522203-G-A. GRCh37 (hg19) VCF-style: chr17-60599564-G-A.
Other names: NC_000017.10:g.60599564G>A; c.154-1G>A (NM_001375271.1, NM_001375270.1, NM_001375272.1 and 3 more transcripts); c.-198-1G>A (NM_001375273.1, NM_001330418.3); c.292-1G>A (NM_001375269.1).
Identifiers: ClinVar variation 3382792 (VCV003382792.3).